The following is an entry in ClinVar:

NM_145649.5(GCNT2):c.*2521C>T

Gene: GCNT2 (glucosaminyl (N-acetyl) transferase 2 (I blood group); plus strand). Cytogenetic location: 6p24.2.
Variant type: single nucleotide variant.
Coding change: c.*2521C>T on transcript NM_145649.5 (MANE Select); 2521 bases downstream of the stop codon, C replaced by T.
Molecular consequence: 3 prime UTR variant.
Genome position (GRCh38, 1-based): chr6:10,629,128, C>T. VCF-style: chr6-10629128-C-T. GRCh37 (hg19) VCF-style: chr6-10629361-C-T.
Other names: c.*2521C>T (NM_001374747.1, NM_001491.3, NM_145655.4).
Identifiers: ClinVar variation 907218 (VCV000907218.4), dbSNP rs190656787, ClinGen allele CA134104671.

ClinVar aggregate classification (germline): Likely benign (1 of 4 stars; one submission).

Conditions:
Blood group, I system (Ii). Identifiers: MedGen C0020717, OMIM 110800.

Allele frequency attached by ClinVar (database versions not stated): 1000 Genomes Project 30x 0.00047; TOPMed 0.00013; 1000 Genomes Project 0.00060.

Submission:

Illumina Laboratory Services, Illumina
Classification: Likely benign for Blood group, I system. Last evaluated: 2018-01-13. Review status: criteria provided, single submitter. Criteria: ICSL Variant Classification Criteria 13 December 2019. Collection method: clinical testing. Allele origin: germline.
Comment: This variant was observed in the ICSL laboratory as part of a predisposition screen in an ostensibly healthy population. It had not been previously curated by ICSL or reported in the Human Gene Mutation Database (HGMD: prior to June 1st, 2018), and was therefore a candidate for classification through an automated scoring system. Utilizing variant allele frequency, disease prevalence and penetrance estimates, and inheritance mode, an automated score was calculated to assess if this variant is too frequent to cause the disease. Based on the score and internal cut-off values, a variant classified as likely benign is not then subjected to further curation. The score for this variant resulted in a classification of likely benign for this disease.